The following is an entry in ClinVar:

ClinVar aggregate classification (germline): Uncertain significance (1 of 4 stars; one submission).

Submission:

Labcorp Genetics (formerly Invitae), Labcorp
Classification: Uncertain significance. Last evaluated: 2023-07-10. Review status: criteria provided, single submitter. Criteria: Invitae Variant Classification Sherloc (09022015). Collection method: clinical testing. Allele origin: unknown.
Comment: This variant results in a copy number gain of the genomic region encompassing exon(s) 2-16 of the LRP5 gene. While the exact position of this variant cannot be determined from the data, sub-genic copy number gains are generally in tandem (PMID: 25640679). This variant is predicted to be in-frame, and likely preserves the integrity of the reading frame. This variant has not been reported in the literature in individuals affected with LRP5-related conditions. Experimental studies and prediction algorithms are not available or were not evaluated, and the functional significance of this variant is currently unknown. In summary, the available evidence is currently insufficient to determine the role of this variant in disease. Therefore, it has been classified as a Variant of Uncertain Significance.

Literature cited by the submitters: PubMed 25640679.

NC_000011.9:g.(?_68115295)_(68193675_?)dup

Gene: LRP5 (LDL receptor related protein 5; plus strand). Cytogenetic location: 11q13.2.
Variant type: Duplication.
Identifiers: ClinVar variation 3244745 (VCV003244745.1).